The following is an entry in ClinVar:

NM_020117.11(LARS1):c.1285-6C>T

Gene: LARS1 (leucyl-tRNA synthetase 1; minus strand). Cytogenetic location: 5q32.
Variant type: single nucleotide variant.
Coding change: c.1285-6C>T on transcript NM_020117.11 (MANE Select); 6 bases into the intron before coding-DNA position 1285, C replaced by T.
Molecular consequence: intron variant.
Genome position (GRCh38, 1-based): chr5:146,152,008, G>A on the plus strand (C>T on the coding strand, the complement: LARS1 is on the minus strand). VCF-style: chr5-146152008-G-A. GRCh37 (hg19) VCF-style: chr5-145531571-G-A.
Other names: c.1123-6C>T (NM_001317965.2); c.1204-6C>T (NM_016460.4); c.1147-6C>T (NM_001317964.2).
Identifiers: ClinVar variation 378075 (VCV000378075.9), dbSNP rs141942986, ClinGen allele CA3489654.

ClinVar aggregate classification (germline): Benign. Review status: criteria provided, multiple submitters, no conflicts (2 of 4 stars). 2 submissions from 2 submitters: Benign (2). Last evaluated 2026-01-20.

Allele frequency attached by ClinVar (database versions not stated): ESP Exome Variant Server 0.00008; gnomAD 0.00017 and 0.00025; gnomAD exomes 0.00026 and 0.00065; TOPMed 0.00042; ExAC 0.00068; 1000 Genomes Project 30x 0.00094; 1000 Genomes Project 0.00100.
gnomAD v4.1: 426 of 1,613,614 alleles (0.026%); highest among the groups gnomAD compares: East Asian, 0.8%; 5 homozygotes.

Submissions (2):

Labcorp Genetics (formerly Invitae), Labcorp
Classification: Benign. Last evaluated: 2026-01-20. Review status: criteria provided, single submitter. Criteria: Invitae Variant Classification Sherloc (09022015). Collection method: clinical testing. Allele origin: germline.

GeneDx
Classification: Benign. Last evaluated: 2015-05-26. Review status: criteria provided, single submitter. Criteria: GeneDx Variant Classification (06012015). Collection method: clinical testing. Allele origin: germline. Affected: yes.
Comment: This variant is considered likely benign or benign based on one or more of the following criteria: it is a conservative change, it occurs at a poorly conserved position in the protein, it is predicted to be benign by multiple in silico algorithms, and/or has population frequency not consistent with disease.